The following is an entry in ClinVar:

ClinVar aggregate classification (germline): Benign/Likely benign. Review status: criteria provided, multiple submitters, no conflicts (2 of 4 stars). 5 submissions from 5 submitters: Benign (2); Likely benign (2). 1 of the submissions does not count toward it. Last evaluated 2025-12-01.

Conditions:
TUBGCP2-related disorder. Also called: TUBGCP2-related condition.

Allele frequency attached by ClinVar (database versions not stated): 1000 Genomes Project 0.00180; 1000 Genomes Project 30x 0.00250; ExAC 0.00250; gnomAD exomes 0.00281; ESP Exome Variant Server 0.00338; gnomAD 0.00353 and 0.00362; TOPMed 0.00355.
gnomAD v4.1: 5,891 of 1,614,116 alleles (0.36%); highest among the groups gnomAD compares: Admixed American, 0.65%; 10 homozygotes.

Submissions (5):

CeGaT Center for Human Genetics Tuebingen
Classification: Likely benign. Last evaluated: 2025-12-01. Review status: criteria provided, single submitter. Criteria: CeGaT Center For Human Genetics Tuebingen Variant Classification Criteria Version 2. Collection method: clinical testing. Allele origin: germline. Affected: yes. Observed: 8 variant alleles.
Comment: TUBGCP2: BP4, BP7

Blueprint Genetics
Classification: Likely benign. Last evaluated: 2024-11-26. Review status: criteria provided, single submitter. Criteria: ACMG Guidelines, 2015. Collection method: clinical testing. Allele origin: germline.

Labcorp Genetics (formerly Invitae), Labcorp
Classification: Benign. Last evaluated: 2018-07-06. Review status: criteria provided, single submitter. Criteria: Invitae Variant Classification Sherloc (09022015). Collection method: clinical testing. Allele origin: germline.

Breakthrough Genomics
Classification: Benign. Review status: criteria provided, single submitter. Criteria: ACMG Guidelines, 2015. Collection method: not provided. Allele origin: germline. Inheritance: Autosomal recessive inheritance. Affected: yes.

PreventionGenetics, part of Exact Sciences
Classification: Likely benign for TUBGCP2-related condition. Last evaluated: 2022-01-26. Review status: no assertion criteria provided. Collection method: clinical testing. Allele origin: germline. Not counted in ClinVar's aggregate classification.
Comment: This variant is classified as likely benign based on ACMG/AMP sequence variant interpretation guidelines (Richards et al. 2015 PMID: 25741868, with internal and published modifications).

NM_006659.4(TUBGCP2):c.1080C>T (p.His360=)

Gene: TUBGCP2 (tubulin gamma complex component 2; minus strand). Cytogenetic location: 10q26.3.
Variant type: single nucleotide variant.
Coding change: c.1080C>T on transcript NM_006659.4 (MANE Select); coding-DNA position 1080, C replaced by T.
Protein change: p.His360=; no amino-acid change (histidine 360 retained).
Molecular consequence: synonymous variant. On other transcripts: non-coding transcript variant (1).
Genome position (GRCh38, 1-based): chr10:133,292,633, G>A on the plus strand (C>T on the coding strand, the complement: TUBGCP2 is on the minus strand). VCF-style: chr10-133292633-G-A. GRCh37 (hg19) VCF-style: chr10-135106137-G-A.
Other names: c.1164C>T, p.His388= (NM_001256617.2); c.690C>T, p.His230= (NM_001256618.2).
Identifiers: ClinVar variation 774322 (VCV000774322.36), dbSNP rs112795322, ClinGen allele CA5764253.
Genomic context (GRCh38, chr10:133,292,633, plus strand): 5'-GGTTAGGTACAGGCATAGCTCCTGCGCCTGGCTGTCCCCTGTGTAGCTGAAGCTCCTGTC[G>A]TGGAGCAGGCTCAGCGTGGACCCCCCAAGACATTCGCCTTTGTCCACCGAGGTGGCTGTG-3'
Protein context (NP_006650.1, residues 350-370): CLGGSTLSLL[His360=]DRSFSYTGDS